The following is an entry in ClinVar:

NM_003072.5(SMARCA4):c.826_827del (p.Pro276fs)

Gene: SMARCA4 (SWI/SNF related BAF chromatin remodeling complex subunit ATPase 4; plus strand). Cytogenetic location: 19p13.2.
Variant type: Deletion.
Coding change: c.826_827del on transcript NM_003072.5 (MANE Select); coding-DNA positions 826 to 827, 2 bases deleted (CC; older notation c.826_827delCC).
Protein change: p.Pro276fs; shifts the reading frame from proline 276.
Molecular consequence: frameshift variant. On other transcripts: non-coding transcript variant (1).
Genome position (GRCh38, 1-based): chr19:10,986,970-10,986,971, CC deleted. VCF-style (leftmost placement, unchanged base first): chr19-10986969-GCC-G. GRCh37 (hg19) VCF-style: chr19-11097645-GCC-G.
Other names: c.826_827del, p.Pro276fs (NM_001128844.3, NM_001128845.2, NM_001128846.2 and 5 more transcripts); c.826_827delCC, p.Pro276Serfs (NM_001411150.1); short protein forms P276fs.
Identifiers: ClinVar variation 1762669 (VCV001762669.3), dbSNP rs2514021598, ClinGen allele CA2580096275.
Genomic context (GRCh38, chr19:10,986,969, plus strand): 5'-GGGAGGGCCCAACATGCCTCCCCCAGGACCCTCGGGCGTGCCCCCCGGGATGCCAGGCCA[GCC>G]TCCTGGAGGGCCTCCCAAGCCCTGGCCTGAAGGTGAGCTCCCTCTTCTATGGTGGTGCAC-3'

ClinVar aggregate classification (germline): Pathogenic (1 of 4 stars; one submission).

Conditions:
Hereditary cancer-predisposing syndrome. Also called: Tumor predisposition; Hereditary Cancer Syndrome; Hereditary neoplastic syndrome; Neoplastic Syndromes, Hereditary. Identifiers: Orphanet 140162, MedGen C0027672, MeSH D009386, MONDO:0015356.

Submission:

Ambry Genetics
Classification: Pathogenic for Hereditary cancer-predisposing syndrome. Last evaluated: 2026-02-05. Review status: criteria provided, single submitter. Criteria: Ambry Variant Classification Scheme 2023. Collection method: clinical testing. Allele origin: germline.
Comment: The c.826_827delCC pathogenic mutation, located in coding exon 4 of the SMARCA4 gene, results from a deletion of two nucleotides at nucleotide positions 826 to 827, causing a translational frameshift with a predicted alternate stop codon (p.P276Sfs*10). This variant is considered to be rare based on population cohorts in the Genome Aggregation Database (gnomAD). This alteration is expected to result in loss of function by premature protein truncation or nonsense-mediated mRNA decay. Loss-of-function variants in SMARCA4 are known to cause rhabdoid tumor predisposition syndrome including small cell carcinoma of the ovary-hypercalcemic type (SCCOHT); however, such associations with neurodevelopmental disorders are exceedingly rare (Kosho T et al. Am J Med Genet C Semin Med Genet. 2014 Sep;166C(3):262-75; Jelinic P et al. Nat Genet. 2014 May;46(5):424-6). Based on the supporting evidence, this alteration is pathogenic for rhabdoid tumor predisposition syndrome; however, the association of this alteration with Coffin-Siris syndrome is unlikely.